The following is an entry in ClinVar:

NM_032043.3(BRIP1):c.1790C>G (p.Ala597Gly)

Gene: BRIP1 (BRCA1 interacting DNA helicase 1; minus strand). Cytogenetic location: 17q23.2.
Variant type: single nucleotide variant.
Coding change: c.1790C>G on transcript NM_032043.3 (MANE Select); coding-DNA position 1790, C replaced by G.
Protein change: p.Ala597Gly; replaces alanine 597 with glycine.
Molecular consequence: missense variant.
Genome position (GRCh38, 1-based): chr17:61,780,844, G>C on the plus strand (C>G on the coding strand, the complement: BRIP1 is on the minus strand). VCF-style: chr17-61780844-G-C. GRCh37 (hg19) VCF-style: chr17-59858205-G-C.
Other names: short protein forms A597G.
Identifiers: ClinVar variation 407858 (VCV000407858.10), dbSNP rs751667661, ClinGen allele CA16615812.

ClinVar aggregate classification (germline): Uncertain significance (1 of 4 stars; one submission).

Conditions:
Familial cancer of breast. Also called: Hereditary breast cancer; hereditary breast carcinoma; BREAST CANCER, FAMILIAL. Identifiers: Orphanet 227535, MedGen C0346153, MONDO:0016419, OMIM 114480. Disease mechanism: loss of function.
Fanconi anemia complementation group J. Also called: BRIP1-Related Fanconi Anemia. Identifiers: Orphanet 84, MedGen C1836860, MONDO:0012187, OMIM 609054.

Submission:

Labcorp Genetics (formerly Invitae), Labcorp
Classification: Uncertain significance for Familial cancer of breast; Fanconi anemia complementation group J. Last evaluated: 2024-01-16. Review status: criteria provided, single submitter. Criteria: Invitae Variant Classification Sherloc (09022015). Collection method: clinical testing. Allele origin: germline.
Comment: This sequence change replaces alanine, which is neutral and non-polar, with glycine, which is neutral and non-polar, at codon 597 of the BRIP1 protein (p.Ala597Gly). RNA analysis indicates that this missense change induces altered splicing and may result in an absent or disrupted protein product. This variant is not present in population databases (gnomAD no frequency). This variant has not been reported in the literature in individuals affected with BRIP1-related conditions. ClinVar contains an entry for this variant (Variation ID: 407858). Advanced modeling of protein sequence and biophysical properties (such as structural, functional, and spatial information, amino acid conservation, physicochemical variation, residue mobility, and thermodynamic stability) performed at Invitae indicates that this missense variant is not expected to disrupt BRIP1 protein function with a negative predictive value of 80%. Studies have shown that this missense change results in activation of a cryptic splice site and introduces a premature termination codon (Invitae). The resulting mRNA is expected to undergo nonsense-mediated decay. In summary, the available evidence is currently insufficient to determine the role of this variant in disease. Therefore, it has been classified as a Variant of Uncertain Significance.